The following is an entry in ClinVar:

ClinVar aggregate classification (germline): Likely benign. Review status: criteria provided, multiple submitters, no conflicts (2 of 4 stars). 3 submissions from 3 submitters: Likely benign (3). Last evaluated 2026-01-26.

Conditions:
Episodic ataxia type 2 (EA2). Also called: ACETAZOLAMIDE-RESPONSIVE HEREDITARY PAROXYSMAL CEREBELLAR ATAXIA; ATAXIA, EPISODIC, WITH NYSTAGMUS; ATAXIA, FAMILIAL PAROXYSMAL; CEREBELLAR ATAXIA, PAROXYSMAL, ACETAZOLAMIDE-RESPONSIVE; CEREBELLOPATHY, HEREDITARY PAROXYSMAL; EPISODIC ATAXIA, NYSTAGMUS-ASSOCIATED. Identifiers: Orphanet 97, MedGen C1720416, MONDO:0007163, OMIM 108500.
Developmental and epileptic encephalopathy, 42 (DEE42A). Also called: Epileptic encephalopathy, early infantile, 42; DEVELOPMENTAL AND EPILEPTIC ENCEPHALOPATHY 42A; EPILEPTIC ENCEPHALOPATHY, EARLY INFANTILE, 42A. Identifiers: MedGen C4310716, MONDO:0014917, OMIM 617106.

Allele frequency attached by ClinVar (database versions not stated): ExAC 0.00002; gnomAD exomes 0.00002; TOPMed 0.00002; gnomAD 0.00003.
gnomAD v4.1: 26 of 1,605,960 alleles (0.0016%); highest among the groups gnomAD compares: African/African-American, 0.0054%; no homozygotes.

Submissions (3):

Labcorp Genetics (formerly Invitae), Labcorp
Classification: Likely benign for Developmental and epileptic encephalopathy, 42; Episodic ataxia type 2. Last evaluated: 2026-01-26. Review status: criteria provided, single submitter. Criteria: Invitae Variant Classification Sherloc (09022015). Collection method: clinical testing. Allele origin: germline.

Blueprint Genetics
Classification: Likely benign. Last evaluated: 2024-07-09. Review status: criteria provided, single submitter. Criteria: ACMG Guidelines, 2015. Collection method: clinical testing. Allele origin: germline.

GeneDx
Classification: Likely benign. Last evaluated: 2016-07-06. Review status: criteria provided, single submitter. Criteria: GeneDx Variant Classification (06012015). Collection method: clinical testing. Allele origin: germline. Affected: yes.
Comment: This variant is considered likely benign or benign based on one or more of the following criteria: it is a conservative change, it occurs at a poorly conserved position in the protein, it is predicted to be benign by multiple in silico algorithms, and/or has population frequency not consistent with disease.

NM_001127222.2(CACNA1A):c.4626G>A (p.Pro1542=)

Gene: CACNA1A (calcium voltage-gated channel subunit alpha1 A; minus strand). Cytogenetic location: 19p13.13.
Variant type: single nucleotide variant.
Coding change: c.4626G>A on transcript NM_001127222.2 (MANE Select); coding-DNA position 4626, G replaced by A.
Protein change: p.Pro1542=; no amino-acid change (proline 1542 retained).
Molecular consequence: synonymous variant.
Genome position (GRCh38, 1-based): chr19:13,255,224, C>T on the plus strand (G>A on the coding strand, the complement: CACNA1A is on the minus strand). VCF-style: chr19-13255224-C-T. GRCh37 (hg19) VCF-style: chr19-13366038-C-T.
Other names: c.4638G>A, p.Pro1546= (NM_000068.4, NM_023035.3); c.4629G>A, p.Pro1543= (NM_001127221.2, NM_001174080.2).
Identifiers: ClinVar variation 387467 (VCV000387467.7), dbSNP rs768317498, ClinGen allele CA9239975.
Genomic context (GRCh38, chr19:13,255,224, plus strand): 5'-CACGAACTGCCACATGCGGTACTGGAAGCTCTGCTTGTTCTGCGGCATGTGTCGGGTCAG[C>T]GGCTTGGCGCTGATGGCGAAATCAATGCAGGCCCTCTGCGGGAGAGAGGCCAGTGGTGAG-3'
Protein context (NP_001120694.1, residues 1532-1552): ACIDFAISAK[Pro1542=]LTRHMPQNKQ